The following is an entry in ClinVar:

ClinVar aggregate classification (germline): Pathogenic. Review status: criteria provided, multiple submitters, no conflicts (2 of 4 stars). 7 submissions from 7 submitters: Pathogenic (6). 1 of the submissions does not count toward it. Last evaluated 2025-04-17.

Conditions:
Inherited prostate cancer.
Pancreatic cancer, susceptibility to, 3. Identifiers: Orphanet 1333, MedGen C3150547, MONDO:0013236, OMIM 613348.
Breast-ovarian cancer, familial, susceptibility to, 5 (BROVCA5). Identifiers: MedGen C5830615, MONDO:0957530, OMIM 620442.
Hereditary cancer-predisposing syndrome. Also called: Hereditary neoplastic syndrome; Neoplastic Syndromes, Hereditary; Hereditary Cancer Syndrome; Tumor predisposition. Identifiers: Orphanet 140162, MedGen C0027672, MeSH D009386, MONDO:0015356.
Malignant tumor of breast. Also called: Cancer breast; Malignant breast neoplasm. Identifiers: MedGen C0006142, MONDO:0007254. Disease mechanism: loss of function.
Familial cancer of breast. Also called: Hereditary breast cancer; BREAST CANCER, FAMILIAL; hereditary breast carcinoma. Identifiers: Orphanet 227535, MedGen C0346153, MONDO:0016419, OMIM 114480. Disease mechanism: loss of function.

Submissions (7):

Labcorp Genetics (formerly Invitae), Labcorp
Classification: Pathogenic for Familial cancer of breast. Last evaluated: 2025-04-17. Review status: criteria provided, single submitter. Criteria: Invitae Variant Classification Sherloc (09022015). Collection method: clinical testing. Allele origin: germline.
Comment: This sequence change creates a premature translational stop signal (p.Gly232Valfs*6) in the PALB2 gene. It is expected to result in an absent or disrupted protein product. Loss-of-function variants in PALB2 are known to be pathogenic (PMID: 17200668, 17200671, 17200672, 24136930, 25099575). This variant is not present in population databases (gnomAD no frequency). This premature translational stop signal has been observed in individual(s) with breast cancer (PMID: 28724667, 29338689). ClinVar contains an entry for this variant (Variation ID: 410159). For these reasons, this variant has been classified as Pathogenic.

Ambry Genetics
Classification: Pathogenic for Hereditary cancer-predisposing syndrome. Last evaluated: 2024-08-08. Review status: criteria provided, single submitter. Criteria: Ambry Variant Classification Scheme 2023. Collection method: clinical testing. Allele origin: germline.
Comment: The c.695delG pathogenic mutation, located in coding exon 4 of the PALB2 gene, results from a deletion of one nucleotide at nucleotide position 695, causing a translational frameshift with a predicted alternate stop codon (p.G232Vfs*6). This alteration has been reported in many breast cancer patients of Asian descent (Sun J et al. Clin Cancer Res. 2017 Oct;23:6113-6119; Park JS et al. BMC Cancer. 2018 01;18:83; Zhou J et al. Cancer. 2020 Jul;126:3202-3208). This variant is considered to be rare based on population cohorts in the Genome Aggregation Database (gnomAD). In addition to the clinical data presented in the literature, this alteration is expected to result in loss of function by premature protein truncation or nonsense-mediated mRNA decay. As such, this alteration is interpreted as a disease-causing mutation.

Genomics and Molecular Medicine Service, East Genomic Laboratory Hub, NHS Genomic Medicine Service
Classification: Pathogenic for Inherited prostate cancer. Last evaluated: 2024-05-29. Review status: criteria provided, single submitter. Criteria: ACGS Best Practice Guidelines for Variant Classification in Rare Disease 2020. Collection method: clinical testing. Allele origin: germline. Affected: yes.
Comment: PVS1,PM2_Supporting,PM5_Supporting

Myriad Genetics, Inc.
Classification: Pathogenic for Familial cancer of breast. Last evaluated: 2023-09-07. Review status: criteria provided, single submitter. Criteria: Myriad Autosomal Dominant, Autosomal Recessive and X-Linked Classification Criteria (2023). Collection method: clinical testing. Allele origin: unknown.
Comment: This variant is considered pathogenic. This variant creates a frameshift predicted to result in premature protein truncation.

Color Diagnostics, LLC DBA Color Health
Classification: Pathogenic for Hereditary cancer-predisposing syndrome. Last evaluated: 2020-01-15. Review status: criteria provided, single submitter. Criteria: ACMG Guidelines, 2015. Collection method: clinical testing. Allele origin: germline.
Comment: This variant deletes 1 nucleotide in exon 4 of the PALB2 gene, creating a frameshift and premature translation stop signal. This variant is expected to result in an absent or non-functional protein product. This variant has not been identified in the general population by the Genome Aggregation Database (gnomAD). Loss of PALB2 function is a known mechanism of disease. Based on the available evidence, this variant is classified as Pathogenic.

Juno Genomics, Hangzhou Juno Genomics, Inc
Classification: Pathogenic for Breast-ovarian cancer, familial, susceptibility to, 5; Pancreatic cancer, susceptibility to, 3. Review status: criteria provided, single submitter. Criteria: ACMG Guidelines, 2015. Collection method: clinical testing. Allele origin: germline.
Comment: Absent from controls (or at extremely low frequency if recessive) in Genome Aggregation Database.;Null variant in a gene where loss of function (LOF) is a known mechanism of disease.;The prevalence of the variant in affected individuals is significantly increased compared to the prevalence in controls.;Patient's phenotype or family history is highly specific for a disease with a single genetic etiology.

Department of Pathology and Laboratory Medicine, Sinai Health System
Classification: Pathogenic for Malignant tumor of breast. Review status: no assertion criteria provided. Collection method: clinical testing. Allele origin: unknown. Affected: yes. Study: The Canadian Open Genetics Repository (COGR). Not counted in ClinVar's aggregate classification.
Comment: The PALB2 p.Gly232ValfsX6 variant was not identified in the literature nor was it identified in the dbSNP, Cosmic, MutDB, LOVD 3.0, and Zhejiang Colon Cancer databases. The variant was identified in the ClinVar and Clinvitae databases as pathogenic by Invitae. The variant was not identified in the following control databases: the 1000 Genomes Project, the NHLBI GO Exome Sequencing Project, and the Exome Aggregation Consortium (August 8th 2016), or the Genome Aggregation Database (Feb 27, 2017). The c.695del variant is predicted to cause a frameshift, which alters the protein's amino acid sequence beginning at codon 232 and leads to a premature stop codon at position 237. This alteration is then predicted to result in a truncated or absent protein and loss of function. Loss of function variants of the PALB2 gene are an established mechanism of disease in breast cancer and is the type of variant expected to cause the disorder. In summary, based on the above information this variant meets our laboratoryâ€šÃ„Ã´s criteria to be classified as pathogenic.

Literature cited by the submitters: PubMed 17200668 (cited by Labcorp Genetics (formerly Invitae), Labcorp); PubMed 17200671 (cited by Labcorp Genetics (formerly Invitae), Labcorp); PubMed 17200672 (cited by Labcorp Genetics (formerly Invitae), Labcorp); PubMed 24136930 (cited by Labcorp Genetics (formerly Invitae), Labcorp); PubMed 25099575 (cited by Labcorp Genetics (formerly Invitae), Labcorp); PubMed 28724667 (cited by Labcorp Genetics (formerly Invitae), Labcorp and Ambry Genetics); PubMed 29338689 (cited by Labcorp Genetics (formerly Invitae), Labcorp and Ambry Genetics); PubMed 32339256 (cited by Ambry Genetics).

NM_024675.4(PALB2):c.695del (p.Gly232fs)

Gene: PALB2 (partner and localizer of BRCA2; minus strand). Cytogenetic location: 16p12.2.
Variant type: Deletion.
Coding change: c.695del on transcript NM_024675.4 (MANE Select); coding-DNA position 695, one base deleted (G; older notation c.695delG).
Protein change: p.Gly232fs; shifts the reading frame from glycine 232.
Molecular consequence: frameshift variant.
Genome position (GRCh38, 1-based): chr16:23,635,851, C deleted on the plus strand (G on the coding strand, the reverse complement: PALB2 is on the minus strand); the first of 2 consecutive C bases (chr16:23,635,851-23,635,852); deleting either gives the same sequence. VCF-style (leftmost placement, unchanged base first): chr16-23635850-AC-A. GRCh37 (hg19) VCF-style: chr16-23647171-AC-A.
Other names: c.695delG (NM_024675.3); short protein forms G232fs.
Identifiers: ClinVar variation 410159 (VCV000410159.23), dbSNP rs1060502769, ClinGen allele CA16615300.